The following is an entry in ClinVar:

NM_001395010.1(DAB2IP):c.204G>C (p.Ser68=)

Gene: DAB2IP (DAB2 interacting protein; plus strand). Cytogenetic location: 9q33.2.
Variant type: single nucleotide variant.
Coding change: c.204G>C on transcript NM_001395010.1 (MANE Select); coding-DNA position 204, G replaced by C.
Protein change: p.Ser68=; no amino-acid change (serine 68 retained).
Molecular consequence: synonymous variant.
Genome position (GRCh38, 1-based): chr9:121,678,757, G>C. VCF-style: chr9-121678757-G-C. GRCh37 (hg19) VCF-style: chr9-124441036-G-C.
Other names: c.120G>C, p.Ser40= (NM_032552.4).
Identifiers: ClinVar variation 717555 (VCV000717555.29), dbSNP rs373956059, ClinGen allele CA5221935.

ClinVar aggregate classification (germline): Likely benign. Review status: criteria provided, multiple submitters, no conflicts (2 of 4 stars). 3 submissions from 3 submitters: Likely benign (3). Last evaluated 2022-09-01.

Allele frequency attached by ClinVar (database versions not stated): ESP Exome Variant Server 0.00016; TOPMed 0.00018; gnomAD 0.00019.
gnomAD v4.1: 221 of 1,597,418 alleles (0.014%); highest among the groups gnomAD compares: Middle Eastern, 0.45%; no homozygotes.

Submissions (3):

CeGaT Center for Human Genetics Tuebingen
Classification: Likely benign. Last evaluated: 2022-09-01. Review status: criteria provided, single submitter. Criteria: CeGaT Center For Human Genetics Tuebingen Variant Classification Criteria Version 2. Collection method: clinical testing. Allele origin: germline. Affected: yes. Observed: 1 variant allele.
Comment: DAB2IP: BP4, BP7

Labcorp Genetics (formerly Invitae), Labcorp
Classification: Likely benign. Last evaluated: 2018-02-02. Review status: criteria provided, single submitter. Criteria: Invitae Variant Classification Sherloc (09022015). Collection method: clinical testing. Allele origin: germline.

Breakthrough Genomics
Classification: Likely benign. Review status: criteria provided, single submitter. Criteria: ACMG Guidelines, 2015. Collection method: not provided. Allele origin: germline. Inheritance: Unknown mechanism. Affected: yes.